The following is an entry in ClinVar:

NM_198123.2(CSMD3):c.7098A>G (p.Ser2366=)

Gene: CSMD3 (CUB and Sushi multiple domains 3; minus strand). Cytogenetic location: 8q23.3.
Variant type: single nucleotide variant.
Coding change: c.7098A>G on transcript NM_198123.2 (MANE Select); coding-DNA position 7098, A replaced by G.
Protein change: p.Ser2366=; no amino-acid change (serine 2366 retained).
Molecular consequence: synonymous variant.
Genome position (GRCh38, 1-based): chr8:112,335,396, T>C on the plus strand (A>G on the coding strand, the complement: CSMD3 is on the minus strand). VCF-style: chr8-112335396-T-C. GRCh37 (hg19) VCF-style: chr8-113347625-T-C.
Other names: c.6498A>G, p.Ser2166= (NM_001363185.1); c.6786A>G, p.Ser2262= (NM_052900.3); c.6978A>G, p.Ser2326= (NM_198124.2).
Identifiers: ClinVar variation 3050488 (VCV003050488.2), dbSNP rs372256988, ClinGen allele CA4849384.

ClinVar aggregate classification (germline): Likely benign (0 of 4 stars; one submission).

Conditions:
CSMD3-related disorder. Also called: CSMD3-related condition.

Allele frequency attached by ClinVar (database versions not stated): gnomAD 0.00003; gnomAD exomes 0.00007; ESP Exome Variant Server 0.00008; TOPMed 0.00012; ExAC 0.00030.
gnomAD v4.1: 105 of 1,613,830 alleles (0.0065%); highest among the groups gnomAD compares: Admixed American, 0.18%; no homozygotes.

Submission:

PreventionGenetics, part of Exact Sciences
Classification: Likely benign for CSMD3-related condition. Last evaluated: 2019-07-16. Review status: no assertion criteria provided. Collection method: clinical testing. Allele origin: germline.
Comment: This variant is classified as likely benign based on ACMG/AMP sequence variant interpretation guidelines (Richards et al. 2015 PMID: 25741868, with internal and published modifications).